The following is an entry in ClinVar:

NM_000488.4(SERPINC1):c.1009C>T (p.Gln337Ter)

Gene: SERPINC1 (serpin family C member 1; minus strand). Cytogenetic location: 1q25.1.
Variant type: single nucleotide variant.
Coding change: c.1009C>T on transcript NM_000488.4 (MANE Select); coding-DNA position 1009, C replaced by T.
Protein change: p.Gln337Ter; replaces glutamine 337 with a stop codon.
Molecular consequence: nonsense.
Genome position (GRCh38, 1-based): chr1:173,909,696, G>A on the plus strand (C>T on the coding strand, the complement: SERPINC1 is on the minus strand). VCF-style: chr1-173909696-G-A. GRCh37 (hg19) VCF-style: chr1-173878834-G-A.
Other names: c.952C>T, p.Gln318Ter (NM_001386305.1); c.793C>T, p.Gln265Ter (NM_001386306.1); c.865C>T, p.Gln289Ter (NM_001365052.2); c.1132C>T, p.Gln378Ter (NM_001386302.1); c.1090C>T, p.Gln364Ter (NM_001386303.1); c.988C>T, p.Gln330Ter (NM_001386304.1); short protein forms Q289*, Q265*, Q364*, Q318*, Q330*, Q337*, Q378*.
Identifiers: ClinVar variation 2734040 (VCV002734040.4), dbSNP rs2526570241, ClinGen allele CA343773887.

ClinVar aggregate classification (germline): Pathogenic/Likely pathogenic. Review status: criteria provided, multiple submitters, no conflicts (2 of 4 stars). 2 submissions from 2 submitters: Pathogenic (1); Likely pathogenic (1). Last evaluated 2025-05-28.

Conditions:
Hereditary antithrombin deficiency (AT3D). Also called: Reduced antithrombin III activity; Antithrombin III deficiency; Thrombophilia due to antithrombin III deficiency; Antithrombin deficiency. Identifiers: Orphanet 82, MedGen C0272375, MONDO:0013144, OMIM 613118, HP:0001976.
SERPINC1-related disorder. Also called: SERPINC1-related condition.

Submissions (2):

Labcorp Genetics (formerly Invitae), Labcorp
Classification: Pathogenic for Hereditary antithrombin deficiency. Last evaluated: 2025-05-28. Review status: criteria provided, single submitter. Criteria: Invitae Variant Classification Sherloc (09022015). Collection method: clinical testing. Allele origin: germline.
Comment: This sequence change creates a premature translational stop signal (p.Gln337*) in the SERPINC1 gene. It is expected to result in an absent or disrupted protein product. Loss-of-function variants in SERPINC1 are known to be pathogenic (PMID: 21264449). This variant is not present in population databases (gnomAD no frequency). This premature translational stop signal has been observed in individual(s) with clinical features of antithrombin III deficiency (PMID: 24684277). ClinVar contains an entry for this variant (Variation ID: 2734040). For these reasons, this variant has been classified as Pathogenic.

PreventionGenetics, part of Exact Sciences
Classification: Likely pathogenic for SERPINC1-related condition. Last evaluated: 2025-04-29. Review status: criteria provided, single submitter. Criteria: ACMG Guidelines, 2015. Collection method: clinical testing. Allele origin: germline.
Comment: The SERPINC1 c.1009C>T variant is predicted to result in premature protein termination (p.Gln337*). This variant was reported in a family with antithrombin deficiency, type I (Kumar et al. 2013. PubMed ID: 22997155). This variant has not been reported in a large population database (gnomAD), indicating this variant is rare. Nonsense variants in SERPINC1 are expected to be pathogenic. This variant is interpreted as likely pathogenic.

Literature cited by the submitters: PubMed 21264449 (cited by Labcorp Genetics (formerly Invitae), Labcorp); PubMed 24684277 (cited by Labcorp Genetics (formerly Invitae), Labcorp).